The following is an entry in ClinVar:

NM_001184880.2(PCDH19):c.2836A>G (p.Met946Val)

Gene: PCDH19 (protocadherin 19; minus strand). Cytogenetic location: Xq22.1.
Variant type: single nucleotide variant.
Coding change: c.2836A>G on transcript NM_001184880.2 (MANE Select); coding-DNA position 2836, A replaced by G.
Protein change: p.Met946Val; replaces methionine 946 with valine.
Molecular consequence: missense variant.
Genome position (GRCh38, 1-based): chrX:100,341,915, T>C on the plus strand (A>G on the coding strand, the complement: PCDH19 is on the minus strand). VCF-style: chrX-100341915-T-C. GRCh37 (hg19) VCF-style: chrX-99596913-T-C.
Other names: c.2695A>G, p.Met899Val (NM_001105243.2); c.2692A>G, p.Met898Val (NM_020766.3); short protein forms M946V, M899V, M898V.
Identifiers: ClinVar variation 418568 (VCV000418568.7), dbSNP rs1064793304, ClinGen allele CA16621144.

ClinVar aggregate classification (germline): Uncertain significance. Review status: criteria provided, multiple submitters, no conflicts (2 of 4 stars). 2 submissions from 2 submitters: Uncertain significance (2). Last evaluated 2024-07-19.

Conditions:
Developmental and epileptic encephalopathy, 9 (DEE9). Also called: JUBERG-HELLMAN SYNDROME; PCDH19-Related X-Linked Female-Limited Epilepsy with Mental Retardation; Early infantile epileptic encephalopathy 9; EPILEPSY, FEMALE-RESTRICTED, WITH MENTAL RETARDATION. Identifiers: Orphanet 101039, Orphanet 2076, MedGen C1848137, MONDO:0010246, OMIM 300088. Disease mechanism: loss of function.

Allele frequency attached by ClinVar (database versions not stated): gnomAD exomes below 0.00001; TOPMed 0.00001.
gnomAD v4.1: 2 of 1,206,900 alleles (0.00017%); highest among the groups gnomAD compares: African/African-American, 0.0017%; no homozygotes.

Submissions (2):

Labcorp Genetics (formerly Invitae), Labcorp
Classification: Uncertain significance for Developmental and epileptic encephalopathy, 9. Last evaluated: 2024-07-19. Review status: criteria provided, single submitter. Criteria: Invitae Variant Classification Sherloc (09022015). Collection method: clinical testing. Allele origin: germline.
Comment: This sequence change replaces methionine, which is neutral and non-polar, with valine, which is neutral and non-polar, at codon 946 of the PCDH19 protein (p.Met946Val). This variant is not present in population databases (gnomAD no frequency). This variant has not been reported in the literature in individuals affected with PCDH19-related conditions. ClinVar contains an entry for this variant (Variation ID: 418568). Advanced modeling of protein sequence and biophysical properties (such as structural, functional, and spatial information, amino acid conservation, physicochemical variation, residue mobility, and thermodynamic stability) performed at Invitae indicates that this missense variant is not expected to disrupt PCDH19 protein function with a negative predictive value of 95%. In summary, the available evidence is currently insufficient to determine the role of this variant in disease. Therefore, it has been classified as a Variant of Uncertain Significance.

GeneDx
Classification: Uncertain significance. Last evaluated: 2017-01-06. Review status: criteria provided, single submitter. Criteria: GeneDx Variant Classification (06012015). Collection method: clinical testing. Allele origin: germline. Affected: yes.
Comment: A variant of uncertain significance has been identified in the PCDH19 gene. The c.2836 A>G variant has not been published as a pathogenic variant, nor has it been reported as a benign variant to our knowledge. The c.2836 A>G variant is not observed in large population cohorts (Lek et al., 2016; 1000 Genomes Consortium et al., 2015; Exome Variant Server). Several in-silico splice prediction models predict that c.2836 A>G may create a cryptic splice donor site which may supplant the natural donor site and lead to abnormal gene splicing. However, in the absence of RNA/functional studies, the actual effect of this sequence change in this individual is unknown. If c.2836 A>G does not alter splicing, it will result in the M946V missense change, which is a conservative amino acid substitution that is not likely to impact secondary protein structure as these residues share similar properties. Additionally, this substitution occurs at a position that is not conserved. In silico analysis is inconsistent in its predictions as to whether or not the variant is damaging to the protein structure/function. Therefore, based on the currently available information, it is unclear whether this variant is a pathogenic variant or a rare benign variant.